The following is an entry in ClinVar:

ClinVar aggregate classification (germline): Pathogenic (1 of 4 stars; one submission).

Conditions:
Hereditary cancer-predisposing syndrome. Also called: Hereditary neoplastic syndrome; Neoplastic Syndromes, Hereditary; Tumor predisposition; Hereditary Cancer Syndrome. Identifiers: Orphanet 140162, MedGen C0027672, MeSH D009386, MONDO:0015356.

Submission:

Ambry Genetics
Classification: Pathogenic for Hereditary cancer-predisposing syndrome. Last evaluated: 2023-04-28. Review status: criteria provided, single submitter. Criteria: Ambry Variant Classification Scheme 2023. Collection method: clinical testing. Allele origin: germline.
Comment: The p.L839* pathogenic mutation (also known as c.2516T>A), located in coding exon 15 of the RAD50 gene, results from a T to A substitution at nucleotide position 2516. This changes the amino acid from a leucine to a stop codon within coding exon 15. This alteration is expected to result in loss of function by premature protein truncation or nonsense-mediated mRNA decay. As such, this alteration is interpreted as a disease-causing mutation.

NM_005732.4(RAD50):c.2516T>A (p.Leu839Ter)

Gene: RAD50 (RAD50 double strand break repair protein; plus strand). Cytogenetic location: 5q31.1.
Variant type: single nucleotide variant.
Coding change: c.2516T>A on transcript NM_005732.4 (MANE Select); coding-DNA position 2516, T replaced by A.
Protein change: p.Leu839Ter; replaces leucine 839 with a stop codon.
Molecular consequence: nonsense.
Genome position (GRCh38, 1-based): chr5:132,604,038, T>A. VCF-style: chr5-132604038-T-A. GRCh37 (hg19) VCF-style: chr5-131939730-T-A.
Other names: short protein forms L839*.
Identifiers: ClinVar variation 185451 (VCV000185451.6), dbSNP rs776395588, ClinGen allele CA191999.